The following is an entry in ClinVar:

ClinVar aggregate classification (germline): Uncertain significance. Review status: criteria provided, multiple submitters, no conflicts (2 of 4 stars). 3 submissions from 3 submitters: Uncertain significance (3). Last evaluated 2025-09-22.

Conditions:
Inborn genetic diseases. Identifiers: MedGen C0950123, MeSH D030342.
X-linked agammaglobulinemia with growth hormone deficiency (IGHD3). Also called: AGAMMAGLOBULINEMIA AND ISOLATED GROWTH HORMONE DEFICIENCY, X-LINKED; Isolated growth hormone deficiency type 3; Growth hormone deficiency with hypogammaglobulinemia; FLEISHER SYNDROME; HYPOGAMMAGLOBULINEMIA AND ISOLATED GROWTH HORMONE DEFICIENCY, X-LINKED; IGHD III. Identifiers: Orphanet 231692, Orphanet 631, MedGen C0472813, MONDO:0010615, OMIM 307200.

Submissions (3):

Ambry Genetics
Classification: Uncertain significance for Inborn genetic diseases. Last evaluated: 2025-09-22. Review status: criteria provided, single submitter. Criteria: Ambry Variant Classification Scheme 2023. Collection method: clinical testing. Allele origin: germline.
Comment: The c.911T>G (p.F304C) alteration is located in exon 11 (coding exon 10) of the BTK gene. This alteration results from a T to G substitution at nucleotide position 911, causing the phenylalanine (F) at amino acid position 304 to be replaced by a cysteine (C). This variant was not reported in population-based cohorts in the Genome Aggregation Database (gnomAD). This amino acid position is highly conserved in available vertebrate species. This missense alteration is located in a region that has a low rate of benign missense variation (Lek, 2016; Firth, 2009). This alteration is predicted to be deleterious by in silico analysis. Based on insufficient or conflicting evidence, the clinical significance of this alteration remains unclear.

GeneDx
Classification: Uncertain significance. Last evaluated: 2025-05-10. Review status: criteria provided, single submitter. Criteria: GeneDx Variant Classification Process June 2021. Collection method: clinical testing. Allele origin: germline.
Comment: Not observed at significant frequency in large population cohorts (gnomAD); In silico analysis supports that this missense variant has a deleterious effect on protein structure/function; Has not been previously published as pathogenic or benign to our knowledge

Labcorp Genetics (formerly Invitae), Labcorp
Classification: Uncertain significance for X-linked agammaglobulinemia with growth hormone deficiency. Last evaluated: 2023-10-23. Review status: criteria provided, single submitter. Criteria: Invitae Variant Classification Sherloc (09022015). Collection method: clinical testing. Allele origin: germline.
Comment: This sequence change replaces phenylalanine, which is neutral and non-polar, with cysteine, which is neutral and slightly polar, at codon 304 of the BTK protein (p.Phe304Cys). This variant is not present in population databases (gnomAD no frequency). This variant has not been reported in the literature in individuals affected with BTK-related conditions. Advanced modeling of protein sequence and biophysical properties (such as structural, functional, and spatial information, amino acid conservation, physicochemical variation, residue mobility, and thermodynamic stability) performed at Invitae indicates that this missense variant is expected to disrupt BTK protein function with a positive predictive value of 80%. In summary, the available evidence is currently insufficient to determine the role of this variant in disease. Therefore, it has been classified as a Variant of Uncertain Significance.

NM_000061.3(BTK):c.911T>G (p.Phe304Cys)

Gene: BTK (Bruton tyrosine kinase; minus strand). Cytogenetic location: Xq22.1.
Variant type: single nucleotide variant.
Coding change: c.911T>G on transcript NM_000061.3 (MANE Select); coding-DNA position 911, T replaced by G.
Protein change: p.Phe304Cys; replaces phenylalanine 304 with cysteine.
Molecular consequence: missense variant.
Genome position (GRCh38, 1-based): chrX:101,358,680, A>C on the plus strand (T>G on the coding strand, the complement: BTK is on the minus strand). VCF-style: chrX-101358680-A-C. GRCh37 (hg19) VCF-style: chrX-100613668-A-C.
Other names: c.1013T>G, p.Phe338Cys (NM_001287344.2); c.911T>G, p.Phe304Cys (NM_001287345.2); short protein forms F304C, F338C.
Identifiers: ClinVar variation 2865456 (VCV002865456.7), dbSNP rs2520574077, ClinGen allele CA413929242.
Genomic context (GRCh38, chrX:101,358,680, plus strand): 5'-GTGGATTTAGCAAACACAGACACTGTATATTTGCCAGCTTTGCTGGAGTCTCTGACAATG[A>C]AACCTCCTTCTTTCCCCTGAAACAACGAAAAAGAAGCTGTCTGTAGGAGGAAGTGGTGCT-3'
Protein context (NP_000052.1, residues 294-314): LLKQEGKEGG[Phe304Cys]IVRDSSKAGK